The following is an entry in ClinVar:

NM_001267550.2(TTN):c.101148T>C (p.Asp33716=)

Genes: TTN (titin; minus strand), TTN-AS1 (TTN antisense RNA 1; plus strand). Cytogenetic location: 2q31.2.
Variant type: single nucleotide variant.
Coding change: c.101148T>C on transcript NM_001267550.2 (MANE Select); coding-DNA position 101148, T replaced by C.
Protein change: p.Asp33716=; no amino-acid change (aspartic acid 33716 retained).
Molecular consequence: synonymous variant.
Genome position (GRCh38, 1-based): chr2:178,535,467, A>G on the plus strand (T>C on the coding strand, the complement: TTN is on the minus strand). VCF-style: chr2-178535467-A-G. GRCh37 (hg19) VCF-style: chr2-179400194-A-G.
Other names: c.96225T>C, p.Asp32075= (NM_001256850.1); c.73953T>C, p.Asp24651= (NM_003319.4); c.93444T>C, p.Asp31148= (NM_133378.4); c.74328T>C, p.Asp24776= (NM_133432.3); c.74529T>C, p.Asp24843= (NM_133437.4).
Identifiers: ClinVar variation 2145880 (VCV002145880.28), dbSNP rs2468575734, ClinGen allele CA430238165.

ClinVar aggregate classification (germline): Likely benign. Review status: criteria provided, multiple submitters, no conflicts (2 of 4 stars). 2 submissions from 2 submitters: Likely benign (2). Last evaluated 2023-01-12.

Conditions:
Dilated cardiomyopathy 1G (CMD1G). Identifiers: Orphanet 154, MedGen C1858763, MONDO:0011400, OMIM 604145.
Autosomal recessive limb-girdle muscular dystrophy type 2J (LGMDR10). Also called: Limb-girdle muscular dystrophy, type 2J; MUSCULAR DYSTROPHY, LIMB-GIRDLE, AUTOSOMAL RECESSIVE 10. Identifiers: Orphanet 140922, MedGen C1837342, MONDO:0012127, OMIM 608807.

Allele frequency attached by ClinVar (database versions not stated): gnomAD exomes below 0.00001.
gnomAD v4.1: 4 of 1,613,924 alleles (0.00025%); highest among the groups gnomAD compares: Middle Eastern, 0.066%; no homozygotes.

Submissions (2):

Labcorp Genetics (formerly Invitae), Labcorp
Classification: Likely benign for Dilated cardiomyopathy 1G; Autosomal recessive limb-girdle muscular dystrophy type 2J. Last evaluated: 2023-01-12. Review status: criteria provided, single submitter. Criteria: Invitae Variant Classification Sherloc (09022015). Collection method: clinical testing. Allele origin: germline.

CeGaT Center for Human Genetics Tuebingen
Classification: Likely benign. Last evaluated: 2022-07-01. Review status: criteria provided, single submitter. Criteria: CeGaT Center For Human Genetics Tuebingen Variant Classification Criteria Version 2. Collection method: clinical testing. Allele origin: germline. Affected: yes. Observed: 1 variant allele.
Comment: TTN: PM2:Supporting, BP4, BP7